The following is an entry in ClinVar:

NM_032861.4(SERAC1):c.266-48dup

Gene: SERAC1 (serine active site containing 1; minus strand). Cytogenetic location: 6q25.3.
Variant type: Duplication.
Coding change: c.266-48dup on transcript NM_032861.4 (MANE Select); 48 bases into the intron before coding-DNA position 266, one base duplicated (A; older notation c.266-48dupA).
Molecular consequence: intron variant.
Genome position (GRCh38, 1-based): chr6:158,148,993, T duplicated on the plus strand (A on the coding strand, the reverse complement: SERAC1 is on the minus strand); the first of 10 consecutive T bases (chr6:158,148,993-158,149,002); duplicating any one gives the same sequence. VCF-style (leftmost placement, unchanged base first): chr6-158148992-A-AT. GRCh37 (hg19) VCF-style: chr6-158570024-A-AT.
Other names: c.266-39dup (NM_032861.4).
Identifiers: ClinVar variation 671740 (VCV000671740.3), dbSNP rs71027384, ClinGen allele CA4071419.

ClinVar aggregate classification (germline): Benign. Review status: criteria provided, multiple submitters, no conflicts (2 of 4 stars). 2 submissions from 2 submitters: Benign (2). Last evaluated 2021-07-15.

Conditions:
3-methylglutaconic aciduria with deafness, encephalopathy, and Leigh-like syndrome (MEGDEL). Also called: 3-METHYLGLUTACONIC ACIDURIA, TYPE VI; SERAC1 Deficiency; MEGDEL syndrome. Identifiers: Orphanet 352328, MedGen C4040739, MONDO:0013875, OMIM 614739.

Submissions (2):

Genome-Nilou Lab
Classification: Benign for 3-methylglutaconic aciduria with deafness, encephalopathy, and Leigh-like syndrome. Last evaluated: 2021-07-15. Review status: criteria provided, single submitter. Criteria: ACMG Guidelines, 2015. Collection method: clinical testing. Allele origin: germline. Affected: no.

GeneDx
Classification: Benign. Last evaluated: 2018-06-14. Review status: criteria provided, single submitter. Criteria: GeneDx Variant Classification (06012015). Collection method: clinical testing. Allele origin: germline. Affected: yes.
Comment: This variant is considered likely benign or benign based on one or more of the following criteria: it is a conservative change, it occurs at a poorly conserved position in the protein, it is predicted to be benign by multiple in silico algorithms, and/or has population frequency not consistent with disease.